The following is an entry in ClinVar:

NM_000048.4(ASL):c.291+7C>G

Gene: ASL (argininosuccinate lyase; plus strand). Cytogenetic location: 7q11.21.
Variant type: single nucleotide variant.
Coding change: c.291+7C>G on transcript NM_000048.4 (MANE Select); 7 bases into the intron after coding-DNA position 291, C replaced by G.
Molecular consequence: intron variant.
Genome position (GRCh38, 1-based): chr7:66,082,458, C>G. VCF-style: chr7-66082458-C-G. GRCh37 (hg19) VCF-style: chr7-65547445-C-G.
Other names: c.291+7C>G (NM_001024943.2, NM_001024944.2, NM_001024946.2).
Identifiers: ClinVar variation 382402 (VCV000382402.11), dbSNP rs371162956, ClinGen allele CA4276871.

ClinVar aggregate classification (germline): Likely benign. Review status: criteria provided, multiple submitters, no conflicts (2 of 4 stars). 2 submissions from 2 submitters: Likely benign (2). Last evaluated 2026-01-04.

Conditions:
Argininosuccinate lyase deficiency. Also called: Argininosuccinic aciduria; ARGININOSUCCINIC ACID LYASE DEFICIENCY; ASL DEFICIENCY. Identifiers: Orphanet 23, MedGen C0268547, MONDO:0008815, OMIM 207900, HP:0025630.

Allele frequency attached by ClinVar (database versions not stated): ExAC 0.00002; gnomAD 0.00003; gnomAD exomes 0.00003; TOPMed 0.00004; ESP Exome Variant Server 0.00008.
gnomAD v4.1: 41 of 1,606,844 alleles (0.0026%); highest among the groups gnomAD compares: Non-Finnish European, 0.0033%; no homozygotes.

Submissions (2):

Labcorp Genetics (formerly Invitae), Labcorp
Classification: Likely benign for Argininosuccinate lyase deficiency. Last evaluated: 2026-01-04. Review status: criteria provided, single submitter. Criteria: Invitae Variant Classification Sherloc (09022015). Collection method: clinical testing. Allele origin: germline.

GeneDx
Classification: Likely benign. Last evaluated: 2016-02-08. Review status: criteria provided, single submitter. Criteria: GeneDx Variant Classification (06012015). Collection method: clinical testing. Allele origin: germline. Affected: yes.
Comment: This variant is considered likely benign or benign based on one or more of the following criteria: it is a conservative change, it occurs at a poorly conserved position in the protein, it is predicted to be benign by multiple in silico algorithms, and/or has population frequency not consistent with disease.